The following is an entry in ClinVar:

NM_000270.4(PNP):c.469G>A (p.Asp157Asn)

Gene: PNP (purine nucleoside phosphorylase; plus strand). Cytogenetic location: 14q11.2.
Variant type: single nucleotide variant.
Coding change: c.469G>A on transcript NM_000270.4 (MANE Select); coding-DNA position 469, G replaced by A.
Protein change: p.Asp157Asn; replaces aspartic acid 157 with asparagine.
Molecular consequence: missense variant.
Genome position (GRCh38, 1-based): chr14:20,475,069, G>A. VCF-style: chr14-20475069-G-A. GRCh37 (hg19) VCF-style: chr14-20943228-G-A.
Other names: p.Asp157Asn; c.469G>A (NM_000270.3); short protein forms D157N.
Identifiers: ClinVar variation 1516984 (VCV001516984.6), dbSNP rs141543277, ClinGen allele CA7082146.
Genomic context (GRCh38, chr14:20,475,069, plus strand): 5'-TGGGAGAATTTTTAAAATTCCGTTTATGTGAGATAATTCAACCTGTGTCCTAGGTTTGGA[G>A]ATCGTTTCCCTGCCATGTCTGATGCCTACGACCGGACTATGAGGCAGAGGGCTCTCAGTA-3'
Protein context (NP_000261.2, residues 147-167): LRGPNDERFG[Asp157Asn]RFPAMSDAYD

ClinVar aggregate classification (germline): Uncertain significance. Review status: criteria provided, multiple submitters, no conflicts (2 of 4 stars). 2 submissions from 2 submitters: Uncertain significance (2). Last evaluated 2024-01-12.

Conditions:
Purine-nucleoside phosphorylase deficiency. Also called: NUCLEOSIDE PHOSPHORYLASE DEFICIENCY; Immunodeficiency due to purine nucleoside phosphorylase deficiency. Identifiers: Orphanet 760, MedGen C0268125, MONDO:0013171, OMIM 613179.

Allele frequency attached by ClinVar (database versions not stated): ExAC 0.00005; gnomAD exomes 0.00006 and 0.00010; TOPMed 0.00008; gnomAD 0.00009; ESP Exome Variant Server 0.00015.
gnomAD v4.1: 162 of 1,614,110 alleles (0.01%); highest among the groups gnomAD compares: Non-Finnish European, 0.013%; no homozygotes.

Submissions (2):

Mayo Clinic Laboratories, Mayo Clinic
Classification: Uncertain significance. Last evaluated: 2024-01-12. Review status: criteria provided, single submitter. Criteria: ACMG Guidelines, 2015. Collection method: clinical testing. Allele origin: germline. Observed: 1 variant allele.
Comment: BP4, PM2_moderate

Labcorp Genetics (formerly Invitae), Labcorp
Classification: Uncertain significance for Purine-nucleoside phosphorylase deficiency. Last evaluated: 2022-09-07. Review status: criteria provided, single submitter. Criteria: Invitae Variant Classification Sherloc (09022015). Collection method: clinical testing. Allele origin: germline.
Comment: This sequence change replaces aspartic acid, which is acidic and polar, with asparagine, which is neutral and polar, at codon 157 of the PNP protein (p.Asp157Asn). This variant is present in population databases (rs141543277, gnomAD 0.01%). This variant has not been reported in the literature in individuals affected with PNP-related conditions. ClinVar contains an entry for this variant (Variation ID: 1516984). Algorithms developed to predict the effect of missense changes on protein structure and function (SIFT, PolyPhen-2, Align-GVGD) all suggest that this variant is likely to be tolerated. In summary, the available evidence is currently insufficient to determine the role of this variant in disease. Therefore, it has been classified as a Variant of Uncertain Significance.